The following is an entry in ClinVar:

ClinVar aggregate classification (germline): Likely pathogenic. Review status: reviewed by expert panel (3 of 4 stars). 2 submissions from 2 submitters: Likely pathogenic (1). 1 of the submissions does not count toward it. Last evaluated 2025-08-01.

Conditions:
Malignant hyperthermia, susceptibility to, 1 (MHS1). Also called: RYR1-Related Malignant Hyperthermia Susceptibility; Malignant hyperthermia suceptibility 1; Anesthesia related hyperthermia; Malignant hyperpyrexia; Fulminating hyperpyrexia; Pharmacogenic myopathy. Identifiers: Orphanet 423, MedGen C2930980, MONDO:0007783, OMIM 145600.

Submissions (2):

ClinGen Malignant Hyperthermia Susceptibility Variant Curation Expert Panel, ClinGen
Classification: Likely pathogenic for Malignant hyperthermia, susceptibility to, 1. Last evaluated: 2025-08-01. Review status: reviewed by expert panel. Criteria: ClinGen MHS ACMG Specifications V2. Collection method: curation. Allele origin: germline. Inheritance: Autosomal dominant inheritance.
Comment: This pathogenicity assessment is relevant only for malignant hyperthermia susceptibility (MHS) inherited in an autosomal dominant pattern. Variants in RYR1 can also cause other myopathies inherited in an autosomal dominant pattern or in an autosomal recessive pattern. Some of these disorders may predispose individuals to malignant hyperthermia. RYR1 variants may also contribute to a malignant hyperthermia reaction in combination with other genetic and non-genetic factors and the clinician needs to consider such factors in making management decisions. This sequence variant predicts a substitution of aspartic acid with glutamic acid at codon 2129 of the RYR1 protein, p.Asp2129Glu. This variant was not present in a large population database (gnomAD) at the time this variant was interpreted. This variant has been reported in two unrelated individuals who have a personal or family history of a malignant hyperthermia reaction, both of these individuals had a positive in vitro contracture test (IVCT) or caffeine halothane contracture test (CHCT) result (if the proband was unavailable for testing, a positive diagnostic test result in a mutation-positive relative was counted), PS4_Moderate (PMID:12059893, PMID:24433488). No functional studies were identified for this variant. This variant resides in a region of RYR1 considered to be a hotspot for pathogenic variants that contribute to MHS, PM1 (PMID: 21118704). This variant segregates with MHS in 6 individuals, PP1_Moderate (PMID:12059893, PMID:11241852). A REVEL score of 0.683 supports neither a pathogenic nor a benign status for this variant. This variant has been classified as Likely Pathogenic. Criteria implemented: PS4_Moderate, PM1, PP1_Moderate.

RYR1 database
No classification provided. Review status: no classification provided. Collection method: not provided. Allele origin: unknown. Not counted in ClinVar's aggregate classification.

NM_000540.3(RYR1):c.6387C>G (p.Asp2129Glu)

Gene: RYR1 (ryanodine receptor 1; plus strand). Cytogenetic location: 19q13.2.
Variant type: single nucleotide variant.
Coding change: c.6387C>G on transcript NM_000540.3 (MANE Select); coding-DNA position 6387, C replaced by G.
Protein change: p.Asp2129Glu; replaces aspartic acid 2129 with glutamic acid.
Molecular consequence: missense variant.
Genome position (GRCh38, 1-based): chr19:38,494,464, C>G. VCF-style: chr19-38494464-C-G. GRCh37 (hg19) VCF-style: chr19-38985104-C-G.
Other names: c.6387C>G (NM_000540.2); c.6387C>G, p.Asp2129Glu (NM_001042723.2); short protein forms D2129E.
Identifiers: ClinVar variation 133157 (VCV000133157.4), dbSNP rs117886618, ClinGen allele CA024575.